The following is an entry in ClinVar:

ClinVar aggregate classification (germline): Uncertain significance. Review status: criteria provided, multiple submitters, no conflicts (2 of 4 stars). 2 submissions from 2 submitters: Uncertain significance (2). Last evaluated 2026-03-25.

Conditions:
TUB-related disorder. Also called: TUB-related condition.

gnomAD v4.1: 2 of 1,614,048 alleles (0.00012%); highest among the groups gnomAD compares: Non-Finnish European, 0.00017%; no homozygotes.

Submissions (2):

PreventionGenetics, part of Exact Sciences
Classification: Uncertain significance for TUB-related condition. Last evaluated: 2026-03-25. Review status: criteria provided, single submitter. Criteria: ACMG Guidelines, 2015. Collection method: clinical testing. Allele origin: germline.
Comment: The TUB c.1391C>G variant is predicted to result in the amino acid substitution p.Thr464Arg. To our knowledge, this variant has not been reported in the literature or in a large population database (gnomAD), indicating this variant is rare. At this time, the clinical significance of this variant is uncertain due to the absence of conclusive functional and genetic evidence.

Ambry Genetics
Classification: Uncertain significance. Last evaluated: 2022-11-08. Review status: criteria provided, single submitter. Criteria: Ambry Variant Classification Scheme 2023. Collection method: clinical testing. Allele origin: germline.

NM_177972.3(TUB):c.1226C>G (p.Thr409Arg)

Genes: RIC3 (RIC3 acetylcholine receptor chaperone; minus strand), TUB (TUB bipartite transcription factor; plus strand). Cytogenetic location: 11p15.4.
Variant type: single nucleotide variant.
Coding change: c.1226C>G on transcript NM_177972.3 (MANE Select); coding-DNA position 1226, C replaced by G.
Protein change: p.Thr409Arg; replaces threonine 409 with arginine.
Molecular consequence: missense variant.
Genome position (GRCh38, 1-based): chr11:8,100,836, C>G. VCF-style: chr11-8100836-C-G. GRCh37 (hg19) VCF-style: chr11-8122383-C-G.
Other names: c.1391C>G, p.Thr464Arg (NM_003320.5); short protein forms T409R, T464R.
Identifiers: ClinVar variation 2323642 (VCV002323642.3), dbSNP rs1944261496, ClinGen allele CA379571714.